The following is an entry in ClinVar:

ClinVar aggregate classification (germline): Uncertain significance. Review status: criteria provided, multiple submitters, no conflicts (2 of 4 stars). 2 submissions from 2 submitters: Uncertain significance (2). Last evaluated 2025-01-10.

Allele frequency attached by ClinVar (database versions not stated): TOPMed below 0.00001; ExAC 0.00001.
gnomAD v4.1: 2 of 1,604,532 alleles (0.00012%); highest among the groups gnomAD compares: Admixed American, 0.0017%; no homozygotes.

Submissions (2):

GeneDx
Classification: Uncertain significance. Last evaluated: 2025-01-10. Review status: criteria provided, single submitter. Criteria: GeneDx Variant Classification Process June 2021. Collection method: clinical testing. Allele origin: germline. Affected: yes.
Comment: Not observed at significant frequency in large population cohorts (gnomAD); In silico analysis indicates that this missense variant does not alter protein structure/function; Has not been previously published as pathogenic or benign to our knowledge

Labcorp Genetics (formerly Invitae), Labcorp
Classification: Uncertain significance. Last evaluated: 2023-09-25. Review status: criteria provided, single submitter. Criteria: Invitae Variant Classification Sherloc (09022015). Collection method: clinical testing. Allele origin: germline.
Comment: The frequency data for this variant in the population databases is considered unreliable, as metrics indicate poor data quality at this position in the gnomAD database. This variant has not been reported in the literature in individuals affected with PTPN23-related conditions. ClinVar contains an entry for this variant (Variation ID: 2176929). Experimental studies and prediction algorithms are not available or were not evaluated, and the functional significance of this variant is currently unknown. In summary, the available evidence is currently insufficient to determine the role of this variant in disease. Therefore, it has been classified as a Variant of Uncertain Significance. This sequence change replaces proline, which is neutral and non-polar, with serine, which is neutral and polar, at codon 1572 of the PTPN23 protein (p.Pro1572Ser).

NM_015466.4(PTPN23):c.4714C>T (p.Pro1572Ser)

Gene: PTPN23 (protein tyrosine phosphatase non-receptor type 23; plus strand). Cytogenetic location: 3p21.31.
Variant type: single nucleotide variant.
Coding change: c.4714C>T on transcript NM_015466.4 (MANE Select); coding-DNA position 4714, C replaced by T.
Protein change: p.Pro1572Ser; replaces proline 1572 with serine.
Molecular consequence: missense variant.
Genome position (GRCh38, 1-based): chr3:47,412,988, C>T. VCF-style: chr3-47412988-C-T. GRCh37 (hg19) VCF-style: chr3-47454478-C-T.
Other names: c.4336C>T, p.Pro1446Ser (NM_001304482.2); c.4714C>T (NM_015466.2); short protein forms P1572S, P1446S.
Identifiers: ClinVar variation 2176929 (VCV002176929.3), dbSNP rs749411789, ClinGen allele CA2366688.
Genomic context (GRCh38, chr3:47,412,988, plus strand): 5'-CTACCTGAGGCTCCCCAGCCTAAGGAGGAGCCGCCAGTGCCTGAAGCCCCCAGCTCGGGG[C>T]CCCCCTCCTCCTCCCTGGAATTGCTGGCCTCCTTGACCCCAGAGGCCTTCTCCCTGGACA-3'
Protein context (NP_056281.1, residues 1562-1582): PPVPEAPSSG[Pro1572Ser]PSSSLELLAS